The following is an entry in ClinVar:

NM_182641.4(BPTF):c.211A>C (p.Ser71Arg)

Gene: BPTF (bromodomain PHD finger transcription factor; plus strand). Cytogenetic location: 17q24.2.
Variant type: single nucleotide variant.
Coding change: c.211A>C on transcript NM_182641.4 (MANE Select); coding-DNA position 211, A replaced by C.
Protein change: p.Ser71Arg; replaces serine 71 with arginine.
Molecular consequence: missense variant.
Genome position (GRCh38, 1-based): chr17:67,825,935, A>C. VCF-style: chr17-67825935-A-C. GRCh37 (hg19) VCF-style: chr17-65822051-A-C.
Other names: c.211A>C, p.Ser71Arg (NM_004459.7); short protein forms S71R.
Identifiers: ClinVar variation 2648122 (VCV002648122.24), dbSNP rs2055956220, ClinGen allele CA400715486.

ClinVar aggregate classification (germline): Uncertain significance (1 of 4 stars; one submission).

Allele frequency attached by ClinVar (database versions not stated): gnomAD exomes 0.00003.
gnomAD v4.1: 1 of 1,012,076 alleles (0.000099%); highest among the groups gnomAD compares: Non-Finnish European, 0.00012%; no homozygotes.

Submission:

CeGaT Center for Human Genetics Tuebingen
Classification: Uncertain significance. Last evaluated: 2023-08-01. Review status: criteria provided, single submitter. Criteria: CeGaT Center For Human Genetics Tuebingen Variant Classification Criteria Version 2. Collection method: clinical testing. Allele origin: germline. Affected: yes. Observed: 1 variant allele.
Comment: BPTF: PM2, PP2